The following is an entry in ClinVar:

ClinVar aggregate classification (germline): Uncertain significance. Review status: criteria provided, multiple submitters, no conflicts (2 of 4 stars). 2 submissions from 2 submitters: Uncertain significance (2). Last evaluated 2023-04-28.

Conditions:
Long QT syndrome (LQTS). Identifiers: MedGen C0023976, MeSH D008133, MONDO:0002442. Disease mechanism: loss of function. Inheritance: Various modes of inheritance.
Cardiovascular phenotype. Identifiers: MedGen CN230736.

Allele frequency attached by ClinVar (database versions not stated): 1000 Genomes Project 30x 0.00016; 1000 Genomes Project 0.00020.
gnomAD v4.1: 7 of 1,613,976 alleles (0.00043%); highest among the groups gnomAD compares: African/African-American, 0.004%; no homozygotes.

Submissions (2):

Ambry Genetics
Classification: Uncertain significance for Cardiovascular phenotype. Last evaluated: 2023-04-28. Review status: criteria provided, single submitter. Criteria: Ambry Variant Classification Scheme 2023. Collection method: clinical testing. Allele origin: germline.
Comment: The p.A3054V variant (also known as c.9161C>T), located in coding exon 38 of the ANK2 gene, results from a C to T substitution at nucleotide position 9161. The alanine at codon 3054 is replaced by valine, an amino acid with similar properties. This amino acid position is conserved. In addition, the in silico prediction for this alteration is inconclusive. Since supporting evidence is limited at this time, the clinical significance of this alteration remains unclear.

Labcorp Genetics (formerly Invitae), Labcorp
Classification: Uncertain significance for Long QT syndrome. Last evaluated: 2022-12-04. Review status: criteria provided, single submitter. Criteria: Invitae Variant Classification Sherloc (09022015). Collection method: clinical testing. Allele origin: germline.
Comment: In summary, the available evidence is currently insufficient to determine the role of this variant in disease. Therefore, it has been classified as a Variant of Uncertain Significance. Algorithms developed to predict the effect of missense changes on protein structure and function (SIFT, PolyPhen-2, Align-GVGD) all suggest that this variant is likely to be tolerated. ClinVar contains an entry for this variant (Variation ID: 943115). This variant has not been reported in the literature in individuals affected with ANK2-related conditions. This variant is present in population databases (rs139007578, gnomAD 0.007%). This sequence change replaces alanine, which is neutral and non-polar, with valine, which is neutral and non-polar, at codon 3054 of the ANK2 protein (p.Ala3054Val).

NM_001148.6(ANK2):c.9161C>T (p.Ala3054Val)

Gene: ANK2 (ankyrin 2; plus strand). Cytogenetic location: 4q26.
Variant type: single nucleotide variant.
Coding change: c.9161C>T on transcript NM_001148.6 (MANE Select); coding-DNA position 9161, C replaced by T.
Protein change: p.Ala3054Val; replaces alanine 3054 with valine.
Molecular consequence: missense variant. On other transcripts: intron variant (68).
Genome position (GRCh38, 1-based): chr4:113,357,779, C>T. VCF-style: chr4-113357779-C-T. GRCh37 (hg19) VCF-style: chr4-114278935-C-T.
Other names: c.8927C>T, p.Ala2976Val (NM_001386142.1); c.5561C>T, p.Ala1854Val (NM_001386166.1); c.9302C>T, p.Ala3101Val (NM_001386174.1); c.9278C>T, p.Ala3093Val (NM_001386175.1); c.4412-3044C>T (NM_001386186.2, NM_001386148.2); c.4214-3044C>T (NM_001354269.3); c.4292-3044C>T (NM_001386187.2); c.4253-3044C>T (NM_001386147.1); and 35 more; short protein forms A3054V, A1854V, A2976V, A3093V, A3101V.
Identifiers: ClinVar variation 943115 (VCV000943115.8), dbSNP rs139007578, ClinGen allele CA3051877.